The following is an entry in ClinVar:

NM_001082538.3(TCTN1):c.262G>A (p.Asp88Asn)

Gene: TCTN1 (tectonic family member 1; plus strand). Cytogenetic location: 12q24.11.
Variant type: single nucleotide variant.
Coding change: c.262G>A on transcript NM_001082538.3 (MANE Select); coding-DNA position 262, G replaced by A.
Protein change: p.Asp88Asn; replaces aspartic acid 88 with asparagine.
Molecular consequence: missense variant. On other transcripts: 5 prime UTR variant (1), non-coding transcript variant (1).
Genome position (GRCh38, 1-based): chr12:110,619,877, G>A. VCF-style: chr12-110619877-G-A. GRCh37 (hg19) VCF-style: chr12-111057682-G-A.
Other names: c.262G>A, p.Asp88Asn (NM_001082537.3, NM_001319680.2, NM_024549.6); c.94G>A, p.Asp32Asn (NM_001173975.3, NM_001319682.3); c.82G>A, p.Asp28Asn (NM_001173976.2); c.-446G>A (NM_001319681.2); short protein forms D88N, D28N, D32N.
Identifiers: ClinVar variation 2181362 (VCV002181362.9), dbSNP rs765199264, ClinGen allele CA6786510.

ClinVar aggregate classification (germline): Conflicting classifications of pathogenicity. Review status: criteria provided, conflicting classifications (1 of 4 stars). 3 submissions from 3 submitters: Likely pathogenic (2); Uncertain significance (1). Last evaluated 2025-09-29.

Conditions:
Joubert syndrome. Also called: CEREBELLOPARENCHYMAL DISORDER IV; JOUBERT-BOLTSHAUSER SYNDROME; Familial aplasia of the vermis. Identifiers: Orphanet 475, MedGen C5979921, MONDO:0018772.
Meckel-Gruber syndrome. Also called: DYSENCEPHALIA SPLANCHNOCYSTICA; GRUBER SYNDROME; Dysencephalia splachnocystica. Identifiers: Orphanet 564, MedGen C0265215, MONDO:0018921.
Developmental disorder. Identifiers: MedGen C0008073.

Allele frequency attached by ClinVar (database versions not stated): TOPMed below 0.00001; gnomAD exomes 0.00001; ExAC 0.00002.
gnomAD v4.1: 17 of 1,614,142 alleles (0.0011%); highest among the groups gnomAD compares: Admixed American, 0.0017%; no homozygotes.

Submissions (3):

Women's Health and Genetics/Laboratory Corporation of America, LabCorp
Classification: Uncertain significance. Last evaluated: 2025-09-29. Review status: criteria provided, single submitter. Criteria: LabCorp Variant Classification Summary - May 2015. Collection method: clinical testing. Allele origin: germline.
Comment: Variant summary: TCTN1 c.262G>A (p.Asp88Asn) results in a conservative amino acid change located in the Tectonic domain (IPR011677) of the encoded protein sequence. Algorithms developed to predict the effect of missense changes on protein structure and function are either unavailable or do not agree on the potential impact of this missense change. The variant allele was found at a frequency of 4e-06 in 249582 control chromosomes (gnomAD). The available data on variant occurrences in the general population are insufficient to allow any conclusion about variant significance. c.262G>A has been reported in the literature in at least one compound heterozygous individual affected with Joubert Syndrome And Related Disorders (Gagliardi_2015). These data do not allow any conclusion about variant significance. To our knowledge, no experimental evidence demonstrating an impact on protein function has been reported. The following publication has been ascertained in the context of this evaluation (PMID: 26489806). ClinVar contains an entry for this variant (Variation ID: 2181362). Based on the evidence outlined above, the variant was classified as uncertain significance.

Labcorp Genetics (formerly Invitae), Labcorp
Classification: Likely pathogenic for Joubert syndrome; Meckel-Gruber syndrome. Last evaluated: 2025-02-02. Review status: criteria provided, single submitter. Criteria: Invitae Variant Classification Sherloc (09022015). Collection method: clinical testing. Allele origin: germline.
Comment: This sequence change replaces aspartic acid, which is acidic and polar, with asparagine, which is neutral and polar, at codon 88 of the TCTN1 protein (p.Asp88Asn). This variant is present in population databases (rs765199264, gnomAD 0.0009%). This missense change has been observed in individual(s) with Joubert Syndrome (PMID: 26489806). In at least one individual the data is consistent with being in trans (on the opposite chromosome) from a pathogenic variant. ClinVar contains an entry for this variant (Variation ID: 2181362). Invitae Evidence Modeling of protein sequence and biophysical properties (such as structural, functional, and spatial information, amino acid conservation, physicochemical variation, residue mobility, and thermodynamic stability) indicates that this missense variant is expected to disrupt TCTN1 protein function with a positive predictive value of 80%. In summary, the currently available evidence indicates that the variant is pathogenic, but additional data are needed to prove that conclusively. Therefore, this variant has been classified as Likely Pathogenic.

Department of Genetics, Rouen University Hospital, Normandy Center for Genomic and Personalized Medicine
Classification: Likely pathogenic for Developmental disorder. Review status: criteria provided, single submitter. Criteria: ACMG Guidelines, 2015. Collection method: clinical testing. Allele origin: maternal. Affected: yes.

Literature cited by the submitters: PubMed 26489806 (cited by Women's Health and Genetics/Laboratory Corporation of America, LabCorp and Labcorp Genetics (formerly Invitae), Labcorp).